The following is an entry in ClinVar:

NM_001376.5(DYNC1H1):c.13753C>T (p.Leu4585Phe)

Gene: DYNC1H1 (dynein cytoplasmic 1 heavy chain 1; plus strand). Cytogenetic location: 14q32.31.
Variant type: single nucleotide variant.
Coding change: c.13753C>T on transcript NM_001376.5 (MANE Select); coding-DNA position 13753, C replaced by T.
Protein change: p.Leu4585Phe; replaces leucine 4585 with phenylalanine.
Molecular consequence: missense variant.
Genome position (GRCh38, 1-based): chr14:102,050,139, C>T. VCF-style: chr14-102050139-C-T. GRCh37 (hg19) VCF-style: chr14-102516476-C-T.
Other names: short protein forms L4585F.
Identifiers: ClinVar variation 1710894 (VCV001710894.7), dbSNP rs768994097, ClinGen allele CA7354350.

ClinVar aggregate classification (germline): Uncertain significance. Review status: criteria provided, multiple submitters, no conflicts (2 of 4 stars). 2 submissions from 2 submitters: Uncertain significance (2). Last evaluated 2022-04-12.

Conditions:
Charcot-Marie-Tooth disease axonal type 2O. Also called: CHARCOT-MARIE-TOOTH NEUROPATHY, AXONAL, TYPE 2O; CHARCOT-MARIE-TOOTH DISEASE, AXONAL, AUTOSOMAL DOMINANT, TYPE 2O; Charcot-Marie-Tooth disease, axonal, type 20; Charcot-Marie-Tooth Neuropathy Type 2O. Identifiers: Orphanet 284232, MedGen C3280220, MONDO:0013644, OMIM 614228.

Allele frequency attached by ClinVar (database versions not stated): gnomAD exomes below 0.00001; ExAC 0.00001.
gnomAD v4.1: 4 of 1,607,868 alleles (0.00025%); highest among the groups gnomAD compares: South Asian, 0.0022%; no homozygotes.

Submissions (2):

GeneDx
Classification: Uncertain significance. Last evaluated: 2022-04-12. Review status: criteria provided, single submitter. Criteria: GeneDx Variant Classification Process June 2021. Collection method: clinical testing. Allele origin: germline. Affected: yes.
Comment: In silico analysis supports that this missense variant has a deleterious effect on protein structure/function; Has not been previously published as pathogenic or benign to our knowledge; This variant is associated with the following publications: (PMID: 26100331, 25609763, 25512093)

Labcorp Genetics (formerly Invitae), Labcorp
Classification: Uncertain significance for Charcot-Marie-Tooth disease axonal type 2O. Last evaluated: 2021-12-23. Review status: criteria provided, single submitter. Criteria: Invitae Variant Classification Sherloc (09022015). Collection method: clinical testing. Allele origin: germline.
Comment: In summary, the available evidence is currently insufficient to determine the role of this variant in disease. Therefore, it has been classified as a Variant of Uncertain Significance. Advanced modeling of protein sequence and biophysical properties (such as structural, functional, and spatial information, amino acid conservation, physicochemical variation, residue mobility, and thermodynamic stability) performed at Invitae indicates that this missense variant is not expected to disrupt DYNC1H1 protein function. This variant has not been reported in the literature in individuals affected with DYNC1H1-related conditions. This variant is present in population databases (rs768994097, gnomAD 0.003%). This sequence change replaces leucine, which is neutral and non-polar, with phenylalanine, which is neutral and non-polar, at codon 4585 of the DYNC1H1 protein (p.Leu4585Phe).